The following is an entry in ClinVar:

NC_000011.9:g.(?_108098352)_(108129822_?)del

Gene: ATM (ATM serine/threonine kinase; plus strand). Cytogenetic location: 11q22.3.
Variant type: Deletion.
Identifiers: ClinVar variation 2422215 (VCV002422215.4).

ClinVar aggregate classification (germline): Pathogenic (1 of 4 stars; one submission).

Conditions:
Ataxia-telangiectasia syndrome (AT). Also called: Cerebello-oculocutaneous telangiectasia; Immunodeficiency with ataxia telangiectasia; Ataxia-telangiectasia; AT, COMPLEMENTATION GROUP C; Ataxia telangiectasia (A-T); LOUIS-BAR SYNDROME. Identifiers: Orphanet 100, MedGen C0004135, MONDO:0008840, OMIM 208900.

Submission:

Labcorp Genetics (formerly Invitae), Labcorp
Classification: Pathogenic for Ataxia-telangiectasia syndrome. Last evaluated: 2022-02-11. Review status: criteria provided, single submitter. Criteria: Invitae Variant Classification Sherloc (09022015). Collection method: clinical testing. Allele origin: germline.
Comment: For these reasons, this variant has been classified as Pathogenic. This variant has not been reported in the literature in individuals affected with ATM-related conditions. This variant is a gross deletion of the genomic region encompassing exon(s) 2-16 of the ATM gene, which includes the initiator codon. This deletion extends beyond the assayed region for this gene and therefore may encompass additional genes. It is expected to result in an absent or disrupted protein product. Loss-of-function variants in ATM are known to be pathogenic (PMID: 23807571, 25614872).

Literature cited by the submitters: PubMed 23807571; PubMed 25614872.